The following is an entry in ClinVar:

NM_000051.4(ATM):c.-4A>G

Gene: ATM (ATM serine/threonine kinase; plus strand). Cytogenetic location: 11q22.3.
Variant type: single nucleotide variant.
Coding change: c.-4A>G on transcript NM_000051.4 (MANE Select); 4 bases upstream of the start codon, A replaced by G.
Molecular consequence: 5 prime UTR variant.
Genome position (GRCh38, 1-based): chr11:108,227,621, A>G. VCF-style: chr11-108227621-A-G. GRCh37 (hg19) VCF-style: chr11-108098348-A-G.
Other names: c.-4A>G (NM_001351834.2, NM_001351835.2, NM_001351836.2).
Identifiers: ClinVar variation 4843918 (VCV004843918.1).
Genomic context (GRCh38, chr11:108,227,621, plus strand): 5'-TACATATATATACCTATATGTATTTTTTTTACAGACAGTGATGTGTGTTCTGAAATTGTG[A>G]ACCATGAGTCTAGTACTTAATGATCTGCTTATCTGCTGCCGTCAACTAGAACATGATAGA-3'

ClinVar aggregate classification (germline): Uncertain significance (1 of 4 stars; one submission).

Conditions:
Hereditary cancer-predisposing syndrome. Also called: Neoplastic Syndromes, Hereditary; Tumor predisposition; Hereditary Cancer Syndrome; Hereditary neoplastic syndrome. Identifiers: Orphanet 140162, MedGen C0027672, MeSH D009386, MONDO:0015356.

Submission:

Ambry Genetics
Classification: Uncertain significance for Hereditary cancer-predisposing syndrome. Last evaluated: 2026-01-05. Review status: criteria provided, single submitter. Criteria: Ambry Variant Classification Scheme 2023. Collection method: clinical testing. Allele origin: germline.
Comment: The c.-4A>G variant is located in the 5' untranslated region (5&rsquo; UTR) of the ATM gene. This variant results from an A to G substitution 4 bases upstream from the first translated codon. This nucleotide position is well conserved in available vertebrate species. Based on the available evidence, the clinical significance of this variant remains unclear.